The following is an entry in ClinVar:

ClinVar aggregate classification (germline): Uncertain significance (1 of 4 stars; one submission).

gnomAD v4.1: 2 of 1,614,124 alleles (0.00012%); highest among the groups gnomAD compares: Admixed American, 0.0033%; no homozygotes.

Submission:

Labcorp Genetics (formerly Invitae), Labcorp
Classification: Uncertain significance. Last evaluated: 2021-03-08. Review status: criteria provided, single submitter. Criteria: Invitae Variant Classification Sherloc (09022015). Collection method: clinical testing. Allele origin: germline.
Comment: Algorithms developed to predict the effect of missense changes on protein structure and function output the following: SIFT: "Deleterious"; PolyPhen-2: "Possibly Damaging"; Align-GVGD: "Class C55". The threonine amino acid residue is found in multiple mammalian species, suggesting that this missense change does not adversely affect protein function. These predictions have not been confirmed by published functional studies and their clinical significance is uncertain. In summary, the available evidence is currently insufficient to determine the role of this variant in disease. Therefore, it has been classified as a Variant of Uncertain Significance. This sequence change replaces alanine with threonine at codon 1504 of the SRCAP protein (p.Ala1504Thr). The alanine residue is highly conserved and there is a small physicochemical difference between alanine and threonine. This variant is not present in population databases (ExAC no frequency). This variant has not been reported in the literature in individuals with SRCAP-related conditions.

NM_006662.3(SRCAP):c.4510G>A (p.Ala1504Thr)

Gene: SRCAP (Snf2 related CREBBP activator protein; plus strand). Cytogenetic location: 16p11.2.
Variant type: single nucleotide variant.
Coding change: c.4510G>A on transcript NM_006662.3 (MANE Select); coding-DNA position 4510, G replaced by A.
Protein change: p.Ala1504Thr; replaces alanine 1504 with threonine.
Molecular consequence: missense variant.
Genome position (GRCh38, 1-based): chr16:30,723,934, G>A. VCF-style: chr16-30723934-G-A. GRCh37 (hg19) VCF-style: chr16-30735255-G-A.
Other names: short protein forms A1504T.
Identifiers: ClinVar variation 1514920 (VCV001514920.8), dbSNP rs1033526411, ClinGen allele CA280513290.